The following is an entry in ClinVar:

NM_013372.7(GREM1):c.471C>G (p.Asn157Lys)

Gene: GREM1 (gremlin 1, DAN family BMP antagonist; plus strand). Cytogenetic location: 15q13.3.
Variant type: single nucleotide variant.
Coding change: c.471C>G on transcript NM_013372.7 (MANE Select); coding-DNA position 471, C replaced by G.
Protein change: p.Asn157Lys; replaces asparagine 157 with lysine.
Molecular consequence: missense variant.
Genome position (GRCh38, 1-based): chr15:32,731,161, C>G. VCF-style: chr15-32731161-C-G. GRCh37 (hg19) VCF-style: chr15-33023362-C-G.
Other names: c.261C>G, p.Asn87Lys (NM_001191322.2); c.348C>G, p.Asn116Lys (NM_001191323.2); c.471C>G, p.Asn157Lys (NM_001368719.1); short protein forms N157K, N116K, N87K.
Identifiers: ClinVar variation 4827159 (VCV004827159.1).

ClinVar aggregate classification (germline): Uncertain significance (1 of 4 stars; one submission).

Conditions:
Hereditary cancer-predisposing syndrome. Also called: Neoplastic Syndromes, Hereditary; Tumor predisposition; Hereditary Cancer Syndrome; Hereditary neoplastic syndrome. Identifiers: Orphanet 140162, MedGen C0027672, MeSH D009386, MONDO:0015356.

Submission:

Ambry Genetics
Classification: Uncertain significance for Hereditary cancer-predisposing syndrome. Last evaluated: 2026-02-28. Review status: criteria provided, single submitter. Criteria: Ambry Variant Classification Scheme 2023. Collection method: clinical testing. Allele origin: germline.
Comment: The p.N157K variant (also known as c.471C>G), located in coding exon 1 of the GREM1 gene, results from a C to G substitution at nucleotide position 471. The asparagine at codon 157 is replaced by lysine, an amino acid with similar properties. This amino acid position is conserved. In addition, this alteration is predicted to be tolerated by in silico analysis. Based on the available evidence, the clinical significance of this variant remains unclear.